The following is an entry in ClinVar:

ClinVar aggregate classification (germline): Uncertain significance (1 of 4 stars; one submission).

Conditions:
Catecholaminergic polymorphic ventricular tachycardia 1. Also called: VENTRICULAR TACHYCARDIA, STRESS-INDUCED POLYMORPHIC 1; VENTRICULAR TACHYCARDIA, CATECHOLAMINERGIC POLYMORPHIC, 1, WITH OR WITHOUT ATRIAL DYSFUNCTION AND/OR DILATED CARDIOMYOPATHY; RYR2-Related Catecholaminergic Polymorphic Ventricular Tachycardia. Identifiers: Orphanet 3286, MedGen C1631597, MONDO:0011484, OMIM 604772.

Submission:

Labcorp Genetics (formerly Invitae), Labcorp
Classification: Uncertain significance for Catecholaminergic polymorphic ventricular tachycardia 1. Last evaluated: 2024-09-26. Review status: criteria provided, single submitter. Criteria: Invitae Variant Classification Sherloc (09022015). Collection method: clinical testing. Allele origin: germline.
Comment: This sequence change replaces leucine, which is neutral and non-polar, with valine, which is neutral and non-polar, at codon 1557 of the RYR2 protein (p.Leu1557Val). This variant is not present in population databases (gnomAD no frequency). This variant has not been reported in the literature in individuals affected with RYR2-related conditions. Invitae Evidence Modeling of protein sequence and biophysical properties (such as structural, functional, and spatial information, amino acid conservation, physicochemical variation, residue mobility, and thermodynamic stability) has been performed for this missense variant. However, the output from this modeling did not meet the statistical confidence thresholds required to predict the impact of this variant on RYR2 protein function. In summary, the available evidence is currently insufficient to determine the role of this variant in disease. Therefore, it has been classified as a Variant of Uncertain Significance.

NM_001035.3(RYR2):c.4669T>G (p.Leu1557Val)

Gene: RYR2 (ryanodine receptor 2; plus strand). Cytogenetic location: 1q43.
Variant type: single nucleotide variant.
Coding change: c.4669T>G on transcript NM_001035.3 (MANE Select); coding-DNA position 4669, T replaced by G.
Protein change: p.Leu1557Val; replaces leucine 1557 with valine.
Molecular consequence: missense variant.
Genome position (GRCh38, 1-based): chr1:237,602,097, T>G. VCF-style: chr1-237602097-T-G. GRCh37 (hg19) VCF-style: chr1-237765397-T-G.
Other names: short protein forms L1557V.
Identifiers: ClinVar variation 3689609 (VCV003689609.2).